The following is an entry in ClinVar:

ClinVar aggregate classification (germline): Uncertain significance (1 of 4 stars; one submission).

Submission:

Labcorp Genetics (formerly Invitae), Labcorp
Classification: Uncertain significance. Last evaluated: 2024-02-24. Review status: criteria provided, single submitter. Criteria: Invitae Variant Classification Sherloc (09022015). Collection method: clinical testing. Allele origin: germline.
Comment: This sequence change replaces glutamic acid, which is acidic and polar, with alanine, which is neutral and non-polar, at codon 1341 of the ASPM protein (p.Glu1341Ala). This variant is not present in population databases (gnomAD no frequency). This variant has not been reported in the literature in individuals affected with ASPM-related conditions. ClinVar contains an entry for this variant (Variation ID: 1478388). Advanced modeling of protein sequence and biophysical properties (such as structural, functional, and spatial information, amino acid conservation, physicochemical variation, residue mobility, and thermodynamic stability) performed at Invitae indicates that this missense variant is not expected to disrupt ASPM protein function with a negative predictive value of 80%. In summary, the available evidence is currently insufficient to determine the role of this variant in disease. Therefore, it has been classified as a Variant of Uncertain Significance.

NM_018136.5(ASPM):c.4022A>C (p.Glu1341Ala)

Gene: ASPM (assembly factor for spindle microtubules; minus strand). Cytogenetic location: 1q31.3.
Variant type: single nucleotide variant.
Coding change: c.4022A>C on transcript NM_018136.5 (MANE Select); coding-DNA position 4022, A replaced by C.
Protein change: p.Glu1341Ala; replaces glutamic acid 1341 with alanine.
Molecular consequence: missense variant.
Genome position (GRCh38, 1-based): chr1:197,117,832, T>G on the plus strand (A>C on the coding strand, the complement: ASPM is on the minus strand). VCF-style: chr1-197117832-T-G. GRCh37 (hg19) VCF-style: chr1-197086962-T-G.
Other names: c.4022A>C, p.Glu1341Ala (NM_001206846.2); short protein forms E1341A.
Identifiers: ClinVar variation 1478388 (VCV001478388.6), dbSNP rs2125102450, ClinGen allele CA344036229.